The following is an entry in ClinVar:

ClinVar aggregate classification (germline): Uncertain significance (1 of 4 stars; one submission).

Submission:

Mayo Clinic Laboratories, Mayo Clinic
Classification: Uncertain significance. Last evaluated: 2025-02-01. Review status: criteria provided, single submitter. Criteria: ACMG Guidelines, 2015. Collection method: clinical testing. Allele origin: germline. Observed: 1 variant allele.
Comment: PP3

NM_021023.6(CFHR3):c.253+4A>G

Gene: CFHR3 (complement factor H related 3; plus strand). Cytogenetic location: 1q31.3.
Variant type: single nucleotide variant.
Coding change: c.253+4A>G on transcript NM_021023.6 (MANE Select); 4 bases into the intron after coding-DNA position 253, A replaced by G.
Molecular consequence: intron variant.
Genome position (GRCh38, 1-based): chr1:196,779,360, A>G. VCF-style: chr1-196779360-A-G. GRCh37 (hg19) VCF-style: chr1-196748490-A-G.
Other names: p.?; c.253+4A>G (NM_001166624.2).
Identifiers: ClinVar variation 4542041 (VCV004542041.1).